The following is an entry in ClinVar:

NM_006946.4(SPTBN2):c.1044C>T (p.Asn348=)

Gene: SPTBN2 (spectrin beta, non-erythrocytic 2; minus strand). Cytogenetic location: 11q13.2.
Variant type: single nucleotide variant.
Coding change: c.1044C>T on transcript NM_006946.4 (MANE Select); coding-DNA position 1044, C replaced by T.
Protein change: p.Asn348=; no amino-acid change (asparagine 348 retained).
Molecular consequence: synonymous variant.
Genome position (GRCh38, 1-based): chr11:66,710,611, G>A on the plus strand (C>T on the coding strand, the complement: SPTBN2 is on the minus strand). VCF-style: chr11-66710611-G-A. GRCh37 (hg19) VCF-style: chr11-66478082-G-A.
Other names: c.1065C>T, p.Asn355= (NM_001411025.1).
Identifiers: ClinVar variation 2684346 (VCV002684346.1), dbSNP rs2496430188, ClinGen allele CA475373631.

ClinVar aggregate classification (germline): Uncertain significance (1 of 4 stars; one submission).

Submission:

Athena Diagnostics
Classification: Uncertain significance. Last evaluated: 2022-10-11. Review status: criteria provided, single submitter. Criteria: Athena Diagnostics Criteria. Collection method: clinical testing. Allele origin: unknown.
Comment: Available data are insufficient to determine the clinical significance of the variant at this time. This variant has not been reported in large, multi-ethnic general populations. Computational tools yielded predictions that this variant is unlikely to have an effect on normal RNA splicing.